The following is an entry in ClinVar:

ClinVar aggregate classification (germline): Benign/Likely benign. Review status: criteria provided, multiple submitters, no conflicts (2 of 4 stars). 4 submissions from 4 submitters: Benign (1); Likely benign (3). Last evaluated 2025-09-13.

Conditions:
CEP164-related disorder. Also called: CEP164-related condition.
Nephronophthisis 15 (NPHP15). Identifiers: Orphanet 3156, MedGen C3541853, MONDO:0013917, OMIM 614845.

Allele frequency attached by ClinVar (database versions not stated): gnomAD below 0.00001 and 0.00011; TOPMed 0.00001; ExAC 0.00050; 1000 Genomes Project 0.00100; 1000 Genomes Project 30x 0.00109.
gnomAD v4.1: 346 of 1,614,144 alleles (0.021%); highest among the groups gnomAD compares: South Asian, 0.34%; 5 homozygotes.

Submissions (4):

Labcorp Genetics (formerly Invitae), Labcorp
Classification: Benign for Nephronophthisis 15. Last evaluated: 2025-09-13. Review status: criteria provided, single submitter. Criteria: Invitae Variant Classification Sherloc (09022015). Collection method: clinical testing. Allele origin: germline.

PreventionGenetics, part of Exact Sciences
Classification: Likely benign for CEP164-related condition. Last evaluated: 2024-11-20. Review status: criteria provided, single submitter. Criteria: ACMG Guidelines, 2015. Collection method: clinical testing. Allele origin: germline.
Comment: This variant is classified as likely benign based on ACMG/AMP sequence variant interpretation guidelines (Richards et al. 2015 PMID: 25741868, with internal and published modifications).

Blueprint Genetics
Classification: Likely benign. Last evaluated: 2024-10-22. Review status: criteria provided, single submitter. Criteria: ACMG Guidelines, 2015. Collection method: clinical testing. Allele origin: germline.

Fulgent Genetics
Classification: Likely benign for Nephronophthisis 15. Last evaluated: 2021-11-23. Review status: criteria provided, single submitter. Criteria: ACMG Guidelines, 2015. Collection method: clinical testing. Allele origin: unknown.

NM_014956.5(CEP164):c.2466T>C (p.Ser822=)

Gene: CEP164 (centrosomal protein 164; plus strand). Cytogenetic location: 11q23.3.
Variant type: single nucleotide variant.
Coding change: c.2466T>C on transcript NM_014956.5 (MANE Select); coding-DNA position 2466, T replaced by C.
Protein change: p.Ser822=; no amino-acid change (serine 822 retained).
Molecular consequence: synonymous variant.
Genome position (GRCh38, 1-based): chr11:117,392,600, T>C. VCF-style: chr11-117392600-T-C. GRCh37 (hg19) VCF-style: chr11-117263316-T-C.
Other names: c.2475T>C, p.Ser825= (NM_001271933.2).
Identifiers: ClinVar variation 728373 (VCV000728373.14), dbSNP rs563608251, ClinGen allele CA6295070.